The following is an entry in ClinVar:

ClinVar aggregate classification (germline): Benign/Likely benign. Review status: criteria provided, multiple submitters, no conflicts (2 of 4 stars). 6 submissions from 5 submitters: Benign (3); Likely benign (2). 1 of the submissions does not count toward it. Last evaluated 2026-02-01.

Conditions:
Leigh syndrome (NULS). Also called: Leigh Disease; Subacute necrotizing encephalopathy; Necrotizing encephalopathy infantile subacute of Leigh; Leigh Syndrome (mtDNA deletion); Leigh's syndrome; LEIGH SYNDROME, NUCLEAR. Identifiers: Orphanet 506, MedGen C2931891, MONDO:0009723, OMIM 256000.
Mitochondrial complex IV deficiency, nuclear type 1 (MC4DN1). Also called: Mitochondrial complex IV deficiency; Complex 4 mitochondrial respiratory chain deficiency; Deficiency of mitochondrial respiratory chain complex4; Complex IV deficiency; COX DEFICIENCY. Identifiers: MedGen C5435656, MONDO:0700250, OMIM 220110. Disease mechanism: loss of function.

Allele frequency attached by ClinVar (database versions not stated): gnomAD exomes 0.00180 and 0.00508; ExAC 0.00630; gnomAD 0.01850 and 0.01976; TOPMed 0.02136; ESP Exome Variant Server 0.02199; 1000 Genomes Project 0.02356; 1000 Genomes Project 30x 0.02420.
gnomAD v4.1: 5,619 of 1,614,028 alleles (0.35%); highest among the groups gnomAD compares: African/African-American, 6.4%; 172 homozygotes.

Submissions (7):

Labcorp Genetics (formerly Invitae), Labcorp
Classification: Benign. Last evaluated: 2026-02-01. Review status: criteria provided, single submitter. Criteria: Invitae Variant Classification Sherloc (09022015). Collection method: clinical testing. Allele origin: germline.

Illumina Laboratory Services, Illumina
Classification: Likely benign for Mitochondrial complex IV deficiency, nuclear type 1. Last evaluated: 2018-01-12. Review status: criteria provided, single submitter. Criteria: ICSL Variant Classification Criteria 13 December 2019. Collection method: clinical testing. Allele origin: germline.
Comment: This variant was observed in the ICSL laboratory as part of a predisposition screen in an ostensibly healthy population. It had not been previously curated by ICSL or reported in the Human Gene Mutation Database (HGMD: prior to June 1st, 2018), and was therefore a candidate for classification through an automated scoring system. Utilizing variant allele frequency, disease prevalence and penetrance estimates, and inheritance mode, an automated score was calculated to assess if this variant is too frequent to cause the disease. Based on the score and internal cut-off values, a variant classified as likely benign is not then subjected to further curation. The score for this variant resulted in a classification of likely benign for this disease.

Illumina Laboratory Services, Illumina
Classification: Benign for Leigh syndrome. Last evaluated: 2018-01-12. Review status: criteria provided, single submitter. Criteria: ICSL Variant Classification Criteria 13 December 2019. Collection method: clinical testing. Allele origin: germline.
Comment: This variant was observed in the ICSL laboratory as part of a predisposition screen in an ostensibly healthy population. It had not been previously curated by ICSL or reported in the Human Gene Mutation Database (HGMD: prior to June 1st, 2018), and was therefore a candidate for classification through an automated scoring system. Utilizing variant allele frequency, disease prevalence and penetrance estimates, and inheritance mode, an automated score was calculated to assess if this variant is too frequent to cause the disease. Based on the score and internal cut-off values, a variant classified as benign is not then subjected to further curation. The score for this variant resulted in a classification of benign for this disease.

GeneDx
Classification: Benign. Last evaluated: 2014-02-04. Review status: criteria provided, single submitter. Criteria: GeneDx Variant Classification (06012015). Collection method: clinical testing. Allele origin: germline. Affected: yes.
Comment: This variant is considered likely benign or benign based on one or more of the following criteria: it is a conservative change, it occurs at a poorly conserved position in the protein, it is predicted to be benign by multiple in silico algorithms, and/or has population frequency not consistent with disease.

Breakthrough Genomics
Classification: Likely benign. Review status: criteria provided, single submitter. Criteria: ACMG Guidelines, 2015. Collection method: not provided. Allele origin: germline. Inheritance: Autosomal recessive inheritance. Affected: yes.

Mayo Clinic Laboratories, Mayo Clinic
Classification: Benign. Last evaluated: 2017-10-25. Review status: no assertion criteria provided. Collection method: clinical testing. Allele origin: unknown. Not counted in ClinVar's aggregate classification.

Johnston Lab, North Central College
No classification provided (evidence only). Review status: no classification provided. Collection method: in vitro. Allele origin: not applicable. Functional consequence: loss_of_function_variant. Not counted in ClinVar's aggregate classification.
ClinVar note: "not provided" was previously submitted as the classification for the variant. However, the classification appeared to be based only on an observation of functional data so it was converted to no classification on 2025-07-30.

NM_001303.4(COX10):c.83C>T (p.Thr28Ile)

Gene: COX10 (cytochrome c oxidase assembly factor heme A:farnesyltransferase COX10; plus strand). Cytogenetic location: 17p12.
Variant type: single nucleotide variant.
Coding change: c.83C>T on transcript NM_001303.4 (MANE Select); coding-DNA position 83, C replaced by T.
Protein change: p.Thr28Ile; replaces threonine 28 with isoleucine.
Molecular consequence: missense variant.
Genome position (GRCh38, 1-based): chr17:14,074,362, C>T. VCF-style: chr17-14074362-C-T. GRCh37 (hg19) VCF-style: chr17-13977679-C-T.
Other names: p.T28I:ACT>ATT; short protein forms T28I.
Identifiers: ClinVar variation 137004 (VCV000137004.21), dbSNP rs16948978, ClinGen allele CA290468.
Genomic context (GRCh38, chr17:14,074,362, plus strand): 5'-CCACTTCTCTCTCTATTATAGGTTGCGTAGGAGGCTCTGTCTGGTATCTTGAAAGAAGAA[C>T]TATACAGGACTCCCCTCACAAGTTCTTACATCTTCTCAGGAATGTCAATAAGCAGTGGAT-3'
Protein context (NP_001294.2, residues 18-38): GGSVWYLERR[Thr28Ile]IQDSPHKFLH